The following is an entry in ClinVar:

ClinVar aggregate classification (germline): Uncertain significance. Review status: criteria provided, multiple submitters, no conflicts (2 of 4 stars). 2 submissions from 2 submitters: Uncertain significance (2). Last evaluated 2026-04-22.

Conditions:
Inborn genetic diseases. Identifiers: MedGen C0950123, MeSH D030342.
PKD1L1-related disorder. Also called: PKD1L1-related condition.

gnomAD v4.1: 38 of 1,613,774 alleles (0.0024%); highest among the groups gnomAD compares: African/African-American, 0.048%; no homozygotes.

Submissions (2):

PreventionGenetics, part of Exact Sciences
Classification: Uncertain significance for PKD1L1-related condition. Last evaluated: 2026-04-22. Review status: criteria provided, single submitter. Criteria: ACMG Guidelines, 2015. Collection method: clinical testing. Allele origin: germline.
Comment: The PKD1L1 c.7840C>T variant is predicted to result in the amino acid substitution p.Leu2614Phe. To our knowledge, this variant has not been reported in the literature. This variant is reported in 0.040% of alleles in individuals of African descent in gnomAD. At this time, the clinical significance of this variant is uncertain due to the absence of conclusive functional and genetic evidence.

Ambry Genetics
Classification: Uncertain significance for Inborn genetic diseases. Last evaluated: 2024-05-26. Review status: criteria provided, single submitter. Criteria: Ambry Variant Classification Scheme 2023. Collection method: clinical testing. Allele origin: germline.

NM_138295.5(PKD1L1):c.7840C>T (p.Leu2614Phe)

Genes: PKD1L1 (polycystin 1 like 1, transient receptor potential channel interacting; minus strand), PKD1L1-AS1 (PKD1L1 antisense RNA 1; plus strand). Cytogenetic location: 7p12.3.
Variant type: single nucleotide variant.
Coding change: c.7840C>T on transcript NM_138295.5 (MANE Select); coding-DNA position 7840, C replaced by T.
Protein change: p.Leu2614Phe; replaces leucine 2614 with phenylalanine.
Molecular consequence: missense variant.
Genome position (GRCh38, 1-based): chr7:47,803,332, G>A on the plus strand (C>T on the coding strand, the complement: PKD1L1 is on the minus strand). VCF-style: chr7-47803332-G-A. GRCh37 (hg19) VCF-style: chr7-47842930-G-A.
Other names: short protein forms L2614F.
Identifiers: ClinVar variation 3306865 (VCV003306865.2).